The following is an entry in ClinVar:

NM_024306.5(FA2H):c.1112C>T (p.Thr371Met)

Gene: FA2H (fatty acid 2-hydroxylase; minus strand). Cytogenetic location: 16q23.1.
Variant type: single nucleotide variant.
Coding change: c.1112C>T on transcript NM_024306.5 (MANE Select); coding-DNA position 1112, C replaced by T.
Protein change: p.Thr371Met; replaces threonine 371 with methionine.
Molecular consequence: missense variant.
Genome position (GRCh38, 1-based): chr16:74,714,197, G>A on the plus strand (C>T on the coding strand, the complement: FA2H is on the minus strand). VCF-style: chr16-74714197-G-A. GRCh37 (hg19) VCF-style: chr16-74748095-G-A.
Other names: short protein forms T371M.
Identifiers: ClinVar variation 444377 (VCV000444377.61), dbSNP rs141854925, ClinGen allele CA8170303.

ClinVar aggregate classification (germline): Conflicting classifications of pathogenicity. Review status: criteria provided, conflicting classifications (1 of 4 stars). 7 submissions from 7 submitters: Uncertain significance (5); Likely benign (2). Last evaluated 2026-02-25.

Conditions:
Spastic paraplegia. Identifiers: MedGen C0037772, HP:0001258.
Hereditary spastic paraplegia 35. Also called: LEUKODYSTROPHY, DYSMYELINATING, AND SPASTIC PARAPARESIS WITH OR WITHOUT DYSTONIA; SPASTIC PARAPLEGIA 35, AUTOSOMAL RECESSIVE, WITH OR WITHOUT NEURODEGENERATION; Spastic paraplegia 35, autosomal recessive; Spastic paraplegia 35. Identifiers: Orphanet 171629, MedGen C3496228, MONDO:0012866, OMIM 612319.
Hereditary spastic paraplegia. Also called: Familial spastic paraparesis. Identifiers: Orphanet 685, MedGen C0037773, MONDO:0019064. Disease mechanism: loss of function.

Allele frequency attached by ClinVar (database versions not stated): gnomAD 0.00015 and 0.00016; TOPMed 0.00019; gnomAD exomes 0.00029; ESP Exome Variant Server 0.00054; ExAC 0.00066.
gnomAD v4.1: 295 of 1,560,598 alleles (0.019%); highest among the groups gnomAD compares: South Asian, 0.073%; no homozygotes.

Submissions (7):

GeneDx
Classification: Uncertain significance. Last evaluated: 2026-02-25. Review status: criteria provided, single submitter. Criteria: GeneDx Variant Classification Process June 2021. Collection method: clinical testing. Allele origin: germline.
Comment: In silico analysis suggests that this missense variant does not alter protein structure/function; Has not been previously published as pathogenic or benign in association with a FA2H-related disorder to our knowledge; This variant is associated with the following publications: (PMID: 26740555, 28719003)

Labcorp Genetics (formerly Invitae), Labcorp
Classification: Likely benign for Spastic paraplegia. Last evaluated: 2026-01-11. Review status: criteria provided, single submitter. Criteria: Invitae Variant Classification Sherloc (09022015). Collection method: clinical testing. Allele origin: germline.

Athena Diagnostics
Classification: Uncertain significance. Last evaluated: 2025-09-26. Review status: criteria provided, single submitter. Criteria: Athena Diagnostics Criteria. Collection method: clinical testing. Allele origin: unknown.
Comment: Available data are insufficient to determine the clinical significance of the variant at this time. The frequency of this variant in the general population is higher than would generally be expected for pathogenic variants in this gene. Polyphen and MutationTaster predict this amino acid change may be benign.

Blueprint Genetics
Classification: Likely benign. Last evaluated: 2024-03-01. Review status: criteria provided, single submitter. Criteria: ACMG Guidelines, 2015. Collection method: clinical testing. Allele origin: germline.

CeGaT Center for Human Genetics Tuebingen
Classification: Uncertain significance. Last evaluated: 2021-07-01. Review status: criteria provided, single submitter. Criteria: CeGaT Center For Human Genetics Tuebingen Variant Classification Criteria Version 2. Collection method: clinical testing. Allele origin: germline. Affected: yes. Observed: 2 variant alleles.

Genome Diagnostics Laboratory, The Hospital for Sick Children
Classification: Uncertain significance for Hereditary spastic paraplegia. Last evaluated: 2020-11-18. Review status: criteria provided, single submitter. Criteria: ACMG Guidelines, 2015. Collection method: clinical testing. Allele origin: germline. Affected: yes.

Illumina Laboratory Services, Illumina
Classification: Uncertain significance for Hereditary spastic paraplegia 35. Last evaluated: 2018-01-13. Review status: criteria provided, single submitter. Criteria: ICSL Variant Classification Criteria 13 December 2019. Collection method: clinical testing. Allele origin: germline.